The following is an entry in ClinVar:

NM_000465.4(BARD1):c.1374C>A (p.Asp458Glu)

Gene: BARD1 (BRCA1 associated RING domain 1; minus strand). Cytogenetic location: 2q35.
Variant type: single nucleotide variant.
Coding change: c.1374C>A on transcript NM_000465.4 (MANE Select); coding-DNA position 1374, C replaced by A.
Protein change: p.Asp458Glu; replaces aspartic acid 458 with glutamic acid.
Molecular consequence: missense variant. On other transcripts: non-coding transcript variant (3), intron variant (3).
Genome position (GRCh38, 1-based): chr2:214,769,253, G>T on the plus strand (C>A on the coding strand, the complement: BARD1 is on the minus strand). VCF-style: chr2-214769253-G-T. GRCh37 (hg19) VCF-style: chr2-215633977-G-T.
Other names: c.1317C>A, p.Asp439Glu (NM_001282543.2); c.159-16698C>A (NM_001282548.2); c.216-16698C>A (NM_001282545.2); c.364+23044C>A (NM_001282549.2); c.1374C>A (NM_000465.2); short protein forms D458E, D439E.
Identifiers: ClinVar variation 460702 (VCV000460702.11), dbSNP rs1553619701, ClinGen allele CA350450198.

ClinVar aggregate classification (germline): Uncertain significance. Review status: criteria provided, multiple submitters, no conflicts (2 of 4 stars). 2 submissions from 2 submitters: Uncertain significance (2). Last evaluated 2024-06-19.

Conditions:
Hereditary cancer-predisposing syndrome. Also called: Neoplastic Syndromes, Hereditary; Tumor predisposition; Hereditary Cancer Syndrome; Hereditary neoplastic syndrome. Identifiers: Orphanet 140162, MedGen C0027672, MeSH D009386, MONDO:0015356.
Familial cancer of breast. Also called: BREAST CANCER, FAMILIAL; hereditary breast carcinoma; Hereditary breast cancer. Identifiers: Orphanet 227535, MedGen C0346153, MONDO:0016419, OMIM 114480. Disease mechanism: loss of function.

gnomAD v4.1: 1 of 1,613,324 alleles (0.000062%); highest among the groups gnomAD compares: Non-Finnish European, 0.000085%; no homozygotes.

Submissions (2):

Labcorp Genetics (formerly Invitae), Labcorp
Classification: Uncertain significance for Familial cancer of breast. Last evaluated: 2024-06-19. Review status: criteria provided, single submitter. Criteria: Invitae Variant Classification Sherloc (09022015). Collection method: clinical testing. Allele origin: germline.
Comment: This sequence change replaces aspartic acid, which is acidic and polar, with glutamic acid, which is acidic and polar, at codon 458 of the BARD1 protein (p.Asp458Glu). This variant is not present in population databases (gnomAD no frequency). This missense change has been observed in individual(s) with breast cancer (PMID: 30613976). ClinVar contains an entry for this variant (Variation ID: 460702). An algorithm developed to predict the effect of missense changes on protein structure and function (PolyPhen-2) suggests that this variant is likely to be disruptive. In summary, the available evidence is currently insufficient to determine the role of this variant in disease. Therefore, it has been classified as a Variant of Uncertain Significance.

Ambry Genetics
Classification: Uncertain significance for Hereditary cancer-predisposing syndrome. Last evaluated: 2023-11-22. Review status: criteria provided, single submitter. Criteria: Ambry Variant Classification Scheme 2023. Collection method: clinical testing. Allele origin: germline.
Comment: The p.D458E variant (also known as c.1374C>A), located in coding exon 5 of the BARD1 gene, results from a C to A substitution at nucleotide position 1374. The aspartic acid at codon 458 is replaced by glutamic acid, an amino acid with highly similar properties. This amino acid position is highly conserved in available vertebrate species. In addition, the in silico prediction for this alteration is inconclusive. Since supporting evidence is limited at this time, the clinical significance of this alteration remains unclear.

Literature cited by the submitters: PubMed 30613976 (cited by Labcorp Genetics (formerly Invitae), Labcorp).